The following is an entry in ClinVar:

NM_016222.4(DDX41):c.1681C>T (p.Pro561Ser)

Gene: DDX41 (DEAD-box helicase 41; minus strand). Cytogenetic location: 5q35.3.
Variant type: single nucleotide variant.
Coding change: c.1681C>T on transcript NM_016222.4 (MANE Select); coding-DNA position 1681, C replaced by T.
Protein change: p.Pro561Ser; replaces proline 561 with serine.
Molecular consequence: missense variant.
Genome position (GRCh38, 1-based): chr5:177,512,147, G>A on the plus strand (C>T on the coding strand, the complement: DDX41 is on the minus strand). VCF-style: chr5-177512147-G-A. GRCh37 (hg19) VCF-style: chr5-176939148-G-A.
Other names: c.1303C>T, p.Pro435Ser (NM_001321732.2, NM_001321830.2); short protein forms P561S, P435S.
Identifiers: ClinVar variation 3500527 (VCV003500527.1).

ClinVar aggregate classification (germline): Uncertain significance (1 of 4 stars; one submission).

Conditions:
Inborn genetic diseases. Identifiers: MedGen C0950123, MeSH D030342.

Submission:

Ambry Genetics
Classification: Uncertain significance for Inborn genetic diseases. Last evaluated: 2024-11-23. Review status: criteria provided, single submitter. Criteria: Ambry Variant Classification Scheme 2023. Collection method: clinical testing. Allele origin: germline.
Comment: The p.P561S variant (also known as c.1681C>T), located in coding exon 16 of the DDX41 gene, results from a C to T substitution at nucleotide position 1681. The proline at codon 561 is replaced by serine, an amino acid with similar properties. This amino acid position is conserved. In addition, the in silico prediction for this alteration is inconclusive. Based on the available evidence, the clinical significance of this variant remains unclear.